The following is an entry in ClinVar:

ClinVar aggregate classification (germline): Likely pathogenic. Review status: criteria provided, multiple submitters, no conflicts (2 of 4 stars). 2 submissions from 2 submitters: Likely pathogenic (2). Last evaluated 2026-01-16.

Conditions:
Recessive dystrophic epidermolysis bullosa (RDEB). Also called: DYSTROPHIC EPIDERMOLYSIS BULLOSA, AUTOSOMAL RECESSIVE; EPIDERMOLYSIS BULLOSA DYSTROPHICA, HALLOPEAU-SIEMENS TYPE; Hallopeau-Siemens Disease; EPIDERMOLYSIS BULLOSA DYSTROPHICA, GENERALIZED SEVERE, AUTOSOMAL RECESSIVE; severe generalized recessive dystrophic epidermolysis bullosa; Epidermolysis Bullosa Distrophica Autosomal Recessive (RDEB). Identifiers: Orphanet 79408, Orphanet 79409, MedGen C0079474, MONDO:0009179, OMIM 226600.
Epidermolysis bullosa dystrophica. Also called: Dystrophic epidermolysis bullosa, Hallopeau-Siemens type (formerly); Dystrophic epidermolysis bullosa. Identifiers: Orphanet 303, MedGen C0079294, MONDO:0006543.

Allele frequency attached by ClinVar (database versions not stated): gnomAD exomes below 0.00001.
gnomAD v4.1: 2 of 1,612,486 alleles (0.00012%); highest among the groups gnomAD compares: Non-Finnish European, 0.00017%; no homozygotes.

Submissions (2):

Women's Health and Genetics/Laboratory Corporation of America, LabCorp
Classification: Likely pathogenic for Recessive dystrophic epidermolysis bullosa. Last evaluated: 2026-01-16. Review status: criteria provided, single submitter. Criteria: LabCorp Variant Classification Summary - May 2015. Collection method: clinical testing. Allele origin: germline.
Comment: Variant summary: COL7A1 c.5444G>A (p.Gly1815Glu) results in a non-conservative amino acid change in the encoded protein sequence. This variant disrupts the triple helix domain of COL7A1. Glycine residues within the Gly-Xaa-Yaa repeats of the triple helix domain are required for the structure and stability of fibrillar collagens (PMID: 7695699, 8218237, 19344236). Algorithms developed to predict the effect of missense changes on protein structure and function all suggest that this variant is likely to be disruptive. The variant was absent in 249370 control chromosomes. c.5444G>A has been observed in the presumed compound heterozygous state and in an unknown state in multiple individual(s) affected with clinical features of Dystrophic Epidermolysis Bullosa (example, Matsumura_2018, So_2024, Royal Melbourne Hospital). These data indicate that the variant may be associated with disease. One publication reports experimental evidence evaluating an impact on protein function in patient-derived pluripotent stem cells, however, does not allow convincing conclusions about the variant effect (Matsumura_2018). A different variant at this codon, c.5443G>A p.Gly1815Arg, has been reported in several related individuals with dominant dystrophic epidermolysis bullosa, pruriginosa subtype, suggesting clinical relevance of this codon for COL7A1 function in the context of dominant disease (PMID: 25222259). Reports of recessive disease associated with the different variant at the codon c.5443G>A p.Gly1815Arg were inconclusive (PMID: 21448560, 11843659). The following publications have been ascertained in the context of this evaluation (PMID: 29229433, 38735484). ClinVar contains an entry for this variant (Variation ID: 3068618). Based on the evidence outlined above, the variant was classified as likely pathogenic.

Molecular Genetics, Royal Melbourne Hospital
Classification: Likely pathogenic for Epidermolysis bullosa dystrophica. Last evaluated: 2024-04-11. Review status: criteria provided, single submitter. Criteria: ACMG Guidelines, 2015. Collection method: clinical testing. Allele origin: germline. Affected: yes.
Comment: This sequence change in COL7A1 is predicted to replace glycine with glutamic acid at codon 1815, p.(Gly1815Glu). The glycine residue is highly conserved (89/89 vertebrates, UCSC), and alters a critical glycine residue in a collagen triple helix repeat (Gly-X-Y) in the collagenous domains. There is a moderate physicochemical difference between glycine and glutamic acid. This variant is present in a single East Asian individual from the population database gnomAD v2.1 (1/18,394 alleles) and is absent from v3.1, which is consistent with dominant dystrophic epidermolysis bullosa (DEB). To our knowledge, this variant has not been reported in the relevant scientific literature. Computational evidence predicts a deleterious effect for the missense substitution (REVEL = 0.952). Another missense variant c.5443G>A, p.(Gly1815Arg) in the same codon has been reported in individuals with variant forms of dominant DEB and recessive DEB, but has a larger physicochemical difference than the variant under assessment (PMID: 11843659, 16189623, 25222259). Based on the classification scheme RMH Modified ACMG/AMP Guidelines v1.6.1, this variant is classified as LIKELY PATHOGENIC. Following criteria are met: PM1, PP3_Moderate, PM2_Supporting, PS4_Supporting.

Literature cited by the submitters: PubMed 29229433 (cited by Women's Health and Genetics/Laboratory Corporation of America, LabCorp); PubMed 38735484 (cited by Women's Health and Genetics/Laboratory Corporation of America, LabCorp); PubMed 11843659 (cited by Molecular Genetics, Royal Melbourne Hospital); PubMed 16189623 (cited by Molecular Genetics, Royal Melbourne Hospital); PubMed 25222259 (cited by Molecular Genetics, Royal Melbourne Hospital).

NM_000094.4(COL7A1):c.5444G>A (p.Gly1815Glu)

Gene: COL7A1 (collagen type VII alpha 1 chain; minus strand). Cytogenetic location: 3p21.31.
Variant type: single nucleotide variant.
Coding change: c.5444G>A on transcript NM_000094.4 (MANE Select); coding-DNA position 5444, G replaced by A.
Protein change: p.Gly1815Glu; replaces glycine 1815 with glutamic acid.
Molecular consequence: missense variant.
Genome position (GRCh38, 1-based): chr3:48,578,496, C>T on the plus strand (G>A on the coding strand, the complement: COL7A1 is on the minus strand). VCF-style: chr3-48578496-C-T. GRCh37 (hg19) VCF-style: chr3-48615929-C-T.
Other names: short protein forms G1815E.
Identifiers: ClinVar variation 3068618 (VCV003068618.5), dbSNP rs2531038212, ClinGen allele CA352672888.